The following is an entry in ClinVar:

NM_032737.4(LMNB2):c.1339A>G (p.Ser447Gly)

Gene: LMNB2 (lamin B2; minus strand). Cytogenetic location: 19p13.3.
Variant type: single nucleotide variant.
Coding change: c.1339A>G on transcript NM_032737.4 (MANE Select); coding-DNA position 1339, A replaced by G.
Protein change: p.Ser447Gly; replaces serine 447 with glycine.
Molecular consequence: missense variant.
Genome position (GRCh38, 1-based): chr19:2,433,969, T>C on the plus strand (A>G on the coding strand, the complement: LMNB2 is on the minus strand). VCF-style: chr19-2433969-T-C. GRCh37 (hg19) VCF-style: chr19-2433967-T-C.
Other names: short protein forms S447G.
Identifiers: ClinVar variation 1360710 (VCV001360710.5), dbSNP rs1337959401, ClinGen allele CA403251870.

ClinVar aggregate classification (germline): Uncertain significance (1 of 4 stars; one submission).

Conditions:
Lipodystrophy, partial, acquired, susceptibility to (APLD). Also called: APLD, SUSCEPTIBILITY TO. Identifiers: MedGen C3887501, MONDO:0100476, OMIM 608709.
Progressive myoclonic epilepsy type 9. Identifiers: Orphanet 457265, MedGen C4225289, MONDO:0014685, OMIM 616540.

Allele frequency attached by ClinVar (database versions not stated): gnomAD exomes 0.00001.
gnomAD v4.1: 4 of 1,611,092 alleles (0.00025%); highest among the groups gnomAD compares: Admixed American, 0.0067%; no homozygotes.

Submission:

Labcorp Genetics (formerly Invitae), Labcorp
Classification: Uncertain significance for Progressive myoclonic epilepsy type 9; Lipodystrophy, partial, acquired, susceptibility to. Last evaluated: 2022-07-30. Review status: criteria provided, single submitter. Criteria: Invitae Variant Classification Sherloc (09022015). Collection method: clinical testing. Allele origin: germline.
Comment: This sequence change replaces serine, which is neutral and polar, with glycine, which is neutral and non-polar, at codon 447 of the LMNB2 protein (p.Ser447Gly). This variant is present in population databases (no rsID available, gnomAD 0.009%). This variant has not been reported in the literature in individuals affected with LMNB2-related conditions. ClinVar contains an entry for this variant (Variation ID: 1360710). Algorithms developed to predict the effect of missense changes on protein structure and function (SIFT, PolyPhen-2, Align-GVGD) all suggest that this variant is likely to be tolerated. In summary, the available evidence is currently insufficient to determine the role of this variant in disease. Therefore, it has been classified as a Variant of Uncertain Significance.